The following is an entry in ClinVar:

NM_001267550.2(TTN):c.68418A>G (p.Thr22806=)

Genes: TTN (titin; minus strand), TTN-AS1 (TTN antisense RNA 1; plus strand). Cytogenetic location: 2q31.2.
Variant type: single nucleotide variant.
Coding change: c.68418A>G on transcript NM_001267550.2 (MANE Select); coding-DNA position 68418, A replaced by G.
Protein change: p.Thr22806=; no amino-acid change (threonine 22806 retained).
Molecular consequence: synonymous variant.
Genome position (GRCh38, 1-based): chr2:178,578,097, T>C on the plus strand (A>G on the coding strand, the complement: TTN is on the minus strand). VCF-style: chr2-178578097-T-C. GRCh37 (hg19) VCF-style: chr2-179442824-T-C.
Other names: c.63495A>G, p.Thr21165= (NM_001256850.1); c.41223A>G, p.Thr13741= (NM_003319.4); c.60714A>G, p.Thr20238= (NM_133378.4); c.41598A>G, p.Thr13866= (NM_133432.3); c.41799A>G, p.Thr13933= (NM_133437.4).
Identifiers: ClinVar variation 1125437 (VCV001125437.24), dbSNP rs2154174268, ClinGen allele CA430259703.

ClinVar aggregate classification (germline): Likely benign. Review status: criteria provided, multiple submitters, no conflicts (2 of 4 stars). 3 submissions from 3 submitters: Likely benign (3). Last evaluated 2026-02-01.

Conditions:
Cardiovascular phenotype. Identifiers: MedGen CN230736.
Dilated cardiomyopathy 1G (CMD1G). Identifiers: Orphanet 154, MedGen C1858763, MONDO:0011400, OMIM 604145.
Autosomal recessive limb-girdle muscular dystrophy type 2J (LGMDR10). Also called: MUSCULAR DYSTROPHY, LIMB-GIRDLE, AUTOSOMAL RECESSIVE 10; Limb-girdle muscular dystrophy, type 2J. Identifiers: Orphanet 140922, MedGen C1837342, MONDO:0012127, OMIM 608807.

gnomAD v4.1: 5 of 1,613,332 alleles (0.00031%); highest among the groups gnomAD compares: Non-Finnish European, 0.00042%; no homozygotes.

Submissions (3):

CeGaT Center for Human Genetics Tuebingen
Classification: Likely benign. Last evaluated: 2026-02-01. Review status: criteria provided, single submitter. Criteria: CeGaT Center For Human Genetics Tuebingen Variant Classification Criteria Version 2. Collection method: clinical testing. Allele origin: germline. Affected: yes. Observed: 2 variant alleles.
Comment: TTN: BP4, BP7

Labcorp Genetics (formerly Invitae), Labcorp
Classification: Likely benign for Dilated cardiomyopathy 1G; Autosomal recessive limb-girdle muscular dystrophy type 2J. Last evaluated: 2025-05-21. Review status: criteria provided, single submitter. Criteria: Invitae Variant Classification Sherloc (09022015). Collection method: clinical testing. Allele origin: germline.

Ambry Genetics
Classification: Likely benign for Cardiovascular phenotype. Last evaluated: 2022-11-10. Review status: criteria provided, single submitter. Criteria: Ambry Variant Classification Scheme 2023. Collection method: clinical testing. Allele origin: germline.